The following is an entry in ClinVar:

ClinVar aggregate classification (germline): Uncertain significance. Review status: criteria provided, multiple submitters, no conflicts (2 of 4 stars). 3 submissions from 3 submitters: Uncertain significance (2). 1 of the submissions does not count toward it. Last evaluated 2026-02-25.

Conditions:
Vitamin D-dependent rickets, type 1A. Also called: VITAMIN D HYDROXYLATION-DEFICIENT RICKETS, TYPE 1A; PSEUDOVITAMIN D-DEFICIENCY RICKETS, TYPE IA; PDDR IA. Identifiers: MedGen CN283242, MONDO:0020723, OMIM 264700.

Allele frequency attached by ClinVar (database versions not stated): ExAC 0.00094.

Submissions (3):

Myriad Genetics, Inc.
Classification: Uncertain significance for Vitamin D-dependent rickets, type 1A. Last evaluated: 2026-02-25. Review status: criteria provided, single submitter. Criteria: Myriad Autosomal Dominant, Autosomal Recessive and X-Linked Classification Criteria (2023). Collection method: clinical testing. Allele origin: unknown.
Comment: NM_000785.3(CYP27B1):c.566A>G(E189G) is a missense variant classified as a variant of uncertain significance in the context of vitamin D-dependent rickets, CYP27B1-related. E189G has been observed in a case with relevant disease (PMID: 12050193). Relevant functional assessments of this variant are available in the literature (PMID: 12050193). E189G has been observed in referenced population frequency databases. In summary, there is insufficient evidence to classify NM_000785.3(CYP27B1):c.566A>G(E189G) as pathogenic or benign. Please note: this variant was assessed in the context of healthy population screening.

Fulgent Genetics
Classification: Uncertain significance for Vitamin D-dependent rickets, type 1A. Last evaluated: 2024-05-30. Review status: criteria provided, single submitter. Criteria: ACMG Guidelines, 2015. Collection method: clinical testing. Allele origin: germline.

OMIM
Classification: Pathogenic for VITAMIN D HYDROXYLATION-DEFICIENT RICKETS, TYPE 1A. Last evaluated: 2013-03-01. Review status: no assertion criteria provided. Collection method: literature only. Allele origin: germline. Not counted in ClinVar's aggregate classification.

Literature cited by the submitters: PubMed 12050193 (cited by Myriad Genetics, Inc. and OMIM); PubMed 22190362 (cited by OMIM); PubMed 23444327 (cited by OMIM); PubMed 23483640 (cited by OMIM).

NM_000785.4(CYP27B1):c.566A>G (p.Glu189Gly)

Gene: CYP27B1 (cytochrome P450 family 27 subfamily B member 1; minus strand). Cytogenetic location: 12q14.1.
Variant type: single nucleotide variant.
Coding change: c.566A>G on transcript NM_000785.4 (MANE Select); coding-DNA position 566, A replaced by G.
Protein change: p.Glu189Gly; replaces glutamic acid 189 with glycine.
Molecular consequence: missense variant.
Genome position (GRCh38, 1-based): chr12:57,765,320, T>C on the plus strand (A>G on the coding strand, the complement: CYP27B1 is on the minus strand). VCF-style: chr12-57765320-T-C. GRCh37 (hg19) VCF-style: chr12-58159103-T-C.
Other names: short protein forms E189G.
Identifiers: ClinVar variation 1674 (VCV000001674.3), dbSNP rs118204012, ClinGen allele CA115136.